The following is an entry in ClinVar:

ClinVar aggregate classification (germline): Likely pathogenic (1 of 4 stars; one submission).

Conditions:
Lamb-Shaffer syndrome. Identifiers: Orphanet 313884, Orphanet 313892, Orphanet 530983, MedGen C4225202, MONDO:0014778, OMIM 616803.

Submission:

Laboratorio de Genetica e Diagnostico Molecular, Hospital Israelita Albert Einstein
Classification: Likely pathogenic for Lamb-Shaffer syndrome. Last evaluated: 2022-07-05. Review status: criteria provided, single submitter. Criteria: ACMG Guidelines, 2015. Collection method: clinical testing. Allele origin: germline. Affected: yes. Observed: 1 variant allele.
Comment: ACMG classification criteria: PVS1 very strong, PM2 moderated

NM_006940.6(SOX5):c.956del (p.Ile319fs)

Gene: SOX5 (SRY-box transcription factor 5; minus strand). Cytogenetic location: 12p12.1.
Variant type: Deletion.
Coding change: c.956del on transcript NM_006940.6 (MANE Select); coding-DNA position 956, one base deleted (T; older notation c.956delT).
Protein change: p.Ile319fs; shifts the reading frame from isoleucine 319.
Molecular consequence: frameshift variant.
Genome position (GRCh38, 1-based): chr12:23,640,873, A deleted on the plus strand (T on the coding strand, the reverse complement: SOX5 is on the minus strand). VCF-style (leftmost placement, unchanged base first): chr12-23640872-GA-G. GRCh37 (hg19) VCF-style: chr12-23793806-GA-G.
Other names: c.917del, p.Ile306fs (NM_001261414.3, NM_152989.5); c.926del, p.Ile309fs (NM_001261415.3); c.851del, p.Ile284fs (NM_001330785.2); short protein forms I284fs, I306fs, I309fs, I319fs.
Identifiers: ClinVar variation 2431540 (VCV002431540.1), dbSNP rs2548854465, ClinGen allele CA2580085305.